The following is an entry in ClinVar:

ClinVar aggregate classification (germline): Uncertain significance (1 of 4 stars; one submission).

Submission:

Ambry Genetics
Classification: Uncertain significance. Last evaluated: 2026-03-12. Review status: criteria provided, single submitter. Criteria: Ambry Variant Classification Scheme 2023. Collection method: clinical testing. Allele origin: germline.
Comment: The p.A575G variant (also known as c.1724C>G), located in coding exon 17 of the SLMAP gene, results from a C to G substitution at nucleotide position 1724. The alanine at codon 575 is replaced by glycine, an amino acid with similar properties. This amino acid position is conserved. In addition, this alteration is predicted to be tolerated by in silico analysis. Based on the available evidence, the clinical significance of this variant remains unclear.

NM_001377540.1(SLMAP):c.1826C>G (p.Ala609Gly)

Gene: SLMAP (sarcolemma associated protein; plus strand). Cytogenetic location: 3p14.3.
Variant type: single nucleotide variant.
Coding change: c.1826C>G on transcript NM_001377540.1 (MANE Select); coding-DNA position 1826, C replaced by G.
Protein change: p.Ala609Gly; replaces alanine 609 with glycine.
Molecular consequence: missense variant. On other transcripts: non-coding transcript variant (1).
Genome position (GRCh38, 1-based): chr3:57,912,507, C>G. VCF-style: chr3-57912507-C-G. GRCh37 (hg19) VCF-style: chr3-57898234-C-G.
Other names: c.1724C>G, p.Ala575Gly (NM_007159.5, NM_001377549.1); c.254C>G, p.Ala85Gly (NM_001377926.1, NM_001377927.1, NM_001377928.1 and 1 more transcripts); c.1712C>G, p.Ala571Gly (NM_001377552.1, NM_001377551.1); c.1703C>G, p.Ala568Gly (NM_001377555.1); c.1661C>G, p.Ala554Gly (NM_001377557.1, NM_001377559.1, NM_001304421.2); c.1652C>G, p.Ala551Gly (NM_001377562.1, NM_001377921.1); c.1640C>G, p.Ala547Gly (NM_001377922.1); c.1601C>G, p.Ala534Gly (NM_001377923.1); and 8 more; short protein forms A534G, A575G, A592G, A609G, A85G, A513G, A530G, A547G.
Identifiers: ClinVar variation 4825839 (VCV004825839.1).